The following is an entry in ClinVar:

NM_001136157.2(OTUD5):c.1403T>C (p.Met468Thr)

Gene: OTUD5 (OTU deubiquitinase 5; minus strand). Cytogenetic location: Xp11.23.
Variant type: single nucleotide variant.
Coding change: c.1403T>C on transcript NM_001136157.2 (MANE Select); coding-DNA position 1403, T replaced by C.
Protein change: p.Met468Thr; replaces methionine 468 with threonine.
Molecular consequence: missense variant.
Genome position (GRCh38, 1-based): chrX:48,923,913, A>G on the plus strand (T>C on the coding strand, the complement: OTUD5 is on the minus strand). VCF-style: chrX-48923913-A-G. GRCh37 (hg19) VCF-style: chrX-48781190-A-G.
Other names: c.1403T>C, p.Met468Thr (NM_001136158.2); c.752T>C, p.Met251Thr (NM_001136159.2); c.1418T>C, p.Met473Thr (NM_017602.4); short protein forms M251T, M473T, M468T.
Identifiers: ClinVar variation 3207387 (VCV003207387.2), dbSNP rs2519712081, ClinGen allele CA412906791.

ClinVar aggregate classification (germline): Uncertain significance. Review status: criteria provided, multiple submitters, no conflicts (2 of 4 stars). 2 submissions from 2 submitters: Uncertain significance (2). Last evaluated 2024-11-01.

Conditions:
Inborn genetic diseases. Identifiers: MedGen C0950123, MeSH D030342.

Allele frequency attached by ClinVar (database versions not stated): gnomAD exomes 0.00002.
gnomAD v4.1: 17 of 1,212,161 alleles (0.0014%); highest among the groups gnomAD compares: Non-Finnish European, 0.0019%; no homozygotes.

Submissions (2):

GeneDx
Classification: Uncertain significance. Last evaluated: 2024-11-01. Review status: criteria provided, single submitter. Criteria: GeneDx Variant Classification Process June 2021. Collection method: clinical testing. Allele origin: germline. Affected: yes.
Comment: Not observed at significant frequency in large population cohorts (gnomAD); In silico analysis indicates that this missense variant does not alter protein structure/function; Has not been previously published as pathogenic or benign to our knowledge

Ambry Genetics
Classification: Uncertain significance for Inborn genetic diseases. Last evaluated: 2023-12-09. Review status: criteria provided, single submitter. Criteria: Ambry Variant Classification Scheme 2023. Collection method: clinical testing. Allele origin: germline.